The following is an entry in ClinVar:

ClinVar aggregate classification (germline): Uncertain significance. Review status: criteria provided, multiple submitters, no conflicts (2 of 4 stars). 4 submissions from 4 submitters: Uncertain significance (4). Last evaluated 2023-12-21.

Conditions:
Dyskeratosis congenita. Identifiers: Orphanet 1775, MedGen C0265965, MONDO:0015780.
Cerebroretinal microangiopathy with calcifications and cysts 1 (CRMCC1). Identifiers: Orphanet 313838, MedGen C4552029, MONDO:0024564, OMIM 612199.

Allele frequency attached by ClinVar (database versions not stated): gnomAD exomes 0.00001 and 0.00003; TOPMed 0.00002; gnomAD 0.00007.

Submissions (4):

Labcorp Genetics (formerly Invitae), Labcorp
Classification: Uncertain significance for Dyskeratosis congenita. Last evaluated: 2023-12-21. Review status: criteria provided, single submitter. Criteria: Invitae Variant Classification Sherloc (09022015). Collection method: clinical testing. Allele origin: germline.
Comment: This sequence change replaces threonine, which is neutral and polar, with methionine, which is neutral and non-polar, at codon 1064 of the CTC1 protein (p.Thr1064Met). This variant is present in population databases (no rsID available, gnomAD 0.008%). This variant has not been reported in the literature in individuals affected with CTC1-related conditions. ClinVar contains an entry for this variant (Variation ID: 992910). Advanced modeling of protein sequence and biophysical properties (such as structural, functional, and spatial information, amino acid conservation, physicochemical variation, residue mobility, and thermodynamic stability) performed at Invitae indicates that this missense variant is expected to disrupt CTC1 protein function with a positive predictive value of 80%. In summary, the available evidence is currently insufficient to determine the role of this variant in disease. Therefore, it has been classified as a Variant of Uncertain Significance.

CeGaT Center for Human Genetics Tuebingen
Classification: Uncertain significance. Last evaluated: 2023-07-01. Review status: criteria provided, single submitter. Criteria: CeGaT Center For Human Genetics Tuebingen Variant Classification Criteria Version 2. Collection method: clinical testing. Allele origin: germline. Affected: yes. Observed: 1 variant allele.
Comment: CTC1: PM2

Center for Genomics, Ann and Robert H. Lurie Children's Hospital of Chicago
Classification: Uncertain significance for Cerebroretinal microangiopathy with calcifications and cysts 1. Last evaluated: 2021-05-21. Review status: criteria provided, single submitter. Criteria: ACMG Guidelines, 2015. Collection method: clinical testing. Allele origin: germline.
Comment: CTC1 NM_025099.5 exon 20 p.Thr1064Met (c.3191C>T): This variant has not been reported in the literature but is present in 0.009% (4/41462) of African alleles in the Genome Aggregation Database. This variant is present in ClinVar (Variation ID:992910). Evolutionary conservation suggests that this variant may not impact the protein; computational predictive tools for this variant are unclear. In summary, data on this variant is insufficient for disease classification. Therefore, the clinical significance of this variant is uncertain.

Johns Hopkins Genomics, Johns Hopkins University
Classification: Uncertain significance for Cerebroretinal microangiopathy with calcifications and cysts 1. Last evaluated: 2020-12-11. Review status: criteria provided, single submitter. Criteria: ACMG Guidelines, 2015. Collection method: clinical testing. Allele origin: germline.
Comment: This CTC1 variant (rs1001797761) is rare (<0.1%) in a large population dataset (gnomAD: 8/280934 total alleles; 0.003%; no homozygotes) and has not been reported in ClinVar nor the literature, to our knowledge. Three bioinformatic tools queried predict that this substitution would be damaging. The threonine residue at this position is poorly evolutionarily conserved across the species assessed. We consider the clinical significance of c.3191C>T to be uncertain at this time.

NM_025099.6(CTC1):c.3191C>T (p.Thr1064Met)

Gene: CTC1 (CST telomere replication complex component 1; minus strand). Cytogenetic location: 17p13.1.
Variant type: single nucleotide variant.
Coding change: c.3191C>T on transcript NM_025099.6 (MANE Select); coding-DNA position 3191, C replaced by T.
Protein change: p.Thr1064Met; replaces threonine 1064 with methionine.
Molecular consequence: missense variant.
Genome position (GRCh38, 1-based): chr17:8,229,172, G>A on the plus strand (C>T on the coding strand, the complement: CTC1 is on the minus strand). VCF-style: chr17-8229172-G-A. GRCh37 (hg19) VCF-style: chr17-8132490-G-A.
Other names: short protein forms T1064M.
Identifiers: ClinVar variation 992910 (VCV000992910.31), dbSNP rs1001797761, ClinGen allele CA287530080.